The following is an entry in ClinVar:

NM_006440.5(TXNRD2):c.133G>A (p.Val45Ile)

Gene: TXNRD2 (thioredoxin reductase 2; minus strand). Cytogenetic location: 22q11.21.
Variant type: single nucleotide variant.
Coding change: c.133G>A on transcript NM_006440.5 (MANE Select); coding-DNA position 133, G replaced by A.
Protein change: p.Val45Ile; replaces valine 45 with isoleucine.
Molecular consequence: missense variant. On other transcripts: 5 prime UTR variant (1), non-coding transcript variant (1).
Genome position (GRCh38, 1-based): chr22:19,931,069, C>T on the plus strand (G>A on the coding strand, the complement: TXNRD2 is on the minus strand). VCF-style: chr22-19931069-C-T. GRCh37 (hg19) VCF-style: chr22-19918592-C-T.
Other names: c.133G>A, p.Val45Ile (NM_001282512.3); c.130G>A, p.Val44Ile (NM_001352300.2); c.43G>A, p.Val15Ile (NM_001352301.2); c.-156G>A (NM_001352302.2); c.37G>A, p.Val13Ile (NM_001352303.2); short protein forms V15I, V44I, V45I, V13I.
Identifiers: ClinVar variation 4695276 (VCV004695276.1).
Genomic context (GRCh38, chr22:19,931,069, plus strand): 5'-CGAAGTATACAGAATACATACCCTCCTTGGCACAAGCCAGGCCACCAGATCCCCCGCCGA[C>T]CACCAGGAGATCATAGTCCCGCTGACCTGCTGAGAGAAGGGATGAGAGGTGGGACGGACT-3'
Protein context (NP_006431.2, residues 35-55): AGQRDYDLLV[Val45Ile]GGGSGGLACA

ClinVar aggregate classification (germline): Uncertain significance (1 of 4 stars; one submission).

Conditions:
Primary dilated cardiomyopathy (DCM). Also called: Dilated Cardiomyopathy. Identifiers: Orphanet 217604, MedGen C0007193, MeSH D002311, MONDO:0005021, HP:0001644. Inheritance: Various modes of inheritance.

Submission:

Labcorp Genetics (formerly Invitae), Labcorp
Classification: Uncertain significance for Primary dilated cardiomyopathy. Last evaluated: 2026-01-04. Review status: criteria provided, single submitter. Criteria: Invitae Variant Classification Sherloc (09022015). Collection method: clinical testing. Allele origin: germline.
Comment: This sequence change replaces valine, which is neutral and non-polar, with isoleucine, which is neutral and non-polar, at codon 45 of the TXNRD2 protein (p.Val45Ile). This variant is not present in population databases (gnomAD no frequency). This variant has not been reported in the literature in individuals affected with TXNRD2-related conditions. Invitae Evidence Modeling of protein sequence and biophysical properties (such as structural, functional, and spatial information, amino acid conservation, physicochemical variation, residue mobility, and thermodynamic stability) indicates that this missense variant is not expected to disrupt TXNRD2 protein function with a negative predictive value of 80%. In summary, the available evidence is currently insufficient to determine the role of this variant in disease. Therefore, it has been classified as a Variant of Uncertain Significance.